The following is an entry in ClinVar:

ClinVar aggregate classification (germline): Uncertain significance (1 of 4 stars; one submission).

Conditions:
Hereditary pancreatitis (PCTT). Also called: Hereditary chronic pancreatitis; PRSS1-Related Hereditary Pancreatitis. Identifiers: Orphanet 676, MedGen C0238339, MONDO:0008185, OMIM 167800.

Submission:

Ambry Genetics
Classification: Uncertain significance for Hereditary pancreatitis. Last evaluated: 2021-12-10. Review status: criteria provided, single submitter. Criteria: Ambry Variant Classification Scheme 2023. Collection method: clinical testing. Allele origin: germline.
Comment: The p.Y122N variant (also known as c.364T>A), located in coding exon 3 of the CPA1 gene, results from a T to A substitution at nucleotide position 364. The tyrosine at codon 122 is replaced by asparagine, an amino acid with dissimilar properties. This amino acid position is conserved. In addition, the in silico prediction for this alteration is inconclusive. Since supporting evidence is limited at this time, the clinical significance of this alteration remains unclear.

NM_001868.4(CPA1):c.364T>A (p.Tyr122Asn)

Gene: CPA1 (carboxypeptidase A1; plus strand). Cytogenetic location: 7q32.2.
Variant type: single nucleotide variant.
Coding change: c.364T>A on transcript NM_001868.4 (MANE Select); coding-DNA position 364, T replaced by A.
Protein change: p.Tyr122Asn; replaces tyrosine 122 with asparagine.
Molecular consequence: missense variant.
Genome position (GRCh38, 1-based): chr7:130,381,846, T>A. VCF-style: chr7-130381846-T-A. GRCh37 (hg19) VCF-style: chr7-130021687-T-A.
Other names: short protein forms Y122N.
Identifiers: ClinVar variation 1733600 (VCV001733600.2), dbSNP rs2536005576, ClinGen allele CA369280500.